The following is an entry in ClinVar:

ClinVar aggregate classification (germline): Pathogenic/Likely pathogenic. Review status: criteria provided, multiple submitters, no conflicts (2 of 4 stars). 2 submissions from 2 submitters: Pathogenic (1); Likely pathogenic (1). Last evaluated 2022-11-30.

Conditions:
NOTCH3-related disorder. Also called: NOTCH3-related disorders; NOTCH3-related condition.

Submissions (2):

PreventionGenetics, part of Exact Sciences
Classification: Likely pathogenic for NOTCH3-related condition. Last evaluated: 2022-11-30. Review status: criteria provided, single submitter. Criteria: ACMG Guidelines, 2015. Collection method: clinical testing. Allele origin: germline.
Comment: The NOTCH3 c.548G>T variant is predicted to result in the amino acid substitution p.Cys183Phe. This variant was reported in several patients with Cerebral Autosomal Dominant Arteriopathy with Subcortical Infarcts and Leukoencephalopathy 1 (CADASIL) (Opherk et al 2004. PubMed ID: 15364702; Peters N et al 2005. PubMed ID: 16009764). Of note, other missense variants affecting the same amino acid (p.Cys183Ser, p.Cys183Arg, p.Cys183Tyr) have also been reported to be pathogenic to CADASIL (HGMD database; Opherk et al 2004. PubMed ID: 15364702; Peters N et al 2005. PubMed ID: 16009764). This variant has not been reported in a large population database, indicating this variant is rare. This variant is interpreted as likely pathogenic.

Athena Diagnostics
Classification: Pathogenic. Last evaluated: 2014-11-20. Review status: criteria provided, single submitter. Criteria: Athena Diagnostics Criteria. Collection method: clinical testing. Allele origin: germline.

Literature cited by the submitters: PubMed 15364702 (cited by Athena Diagnostics); PubMed 16009764 (cited by Athena Diagnostics).

NM_000435.3(NOTCH3):c.548G>T (p.Cys183Phe)

Gene: NOTCH3 (notch receptor 3; minus strand). Cytogenetic location: 19p13.12.
Variant type: single nucleotide variant.
Coding change: c.548G>T on transcript NM_000435.3 (MANE Select); coding-DNA position 548, G replaced by T.
Protein change: p.Cys183Phe; replaces cysteine 183 with phenylalanine.
Molecular consequence: missense variant.
Genome position (GRCh38, 1-based): chr19:15,192,091, C>A on the plus strand (G>T on the coding strand, the complement: NOTCH3 is on the minus strand). VCF-style: chr19-15192091-C-A. GRCh37 (hg19) VCF-style: chr19-15302902-C-A.
Other names: short protein forms C183F.
Identifiers: ClinVar variation 585608 (VCV000585608.2), dbSNP rs1568361851, ClinGen allele CA404533618.